The following is an entry in ClinVar:

ClinVar aggregate classification (germline): Uncertain significance. Review status: criteria provided, multiple submitters, no conflicts (2 of 4 stars). 2 submissions from 2 submitters: Uncertain significance (2). Last evaluated 2025-01-14.

Conditions:
Hereditary cancer-predisposing syndrome. Also called: Neoplastic Syndromes, Hereditary; Tumor predisposition; Hereditary Cancer Syndrome; Hereditary neoplastic syndrome. Identifiers: Orphanet 140162, MedGen C0027672, MeSH D009386, MONDO:0015356.
Ataxia-telangiectasia syndrome (AT). Also called: ATAXIA-TELANGIECTASIA, COMPLEMENTATION GROUP A; ATAXIA-TELANGIECTASIA, FRESNO VARIANT; Ataxia-telangiectasia; Ataxia-telangiectasia, complementation group D; AT, COMPLEMENTATION GROUP C; Ataxia-telangiectasia, complementation group E. Identifiers: Orphanet 100, MedGen C0004135, MONDO:0008840, OMIM 208900.

Submissions (2):

Ambry Genetics
Classification: Uncertain significance for Hereditary cancer-predisposing syndrome. Last evaluated: 2025-01-14. Review status: criteria provided, single submitter. Criteria: Ambry Variant Classification Scheme 2023. Collection method: clinical testing. Allele origin: germline.
Comment: The c.1235+5A>C intronic variant results from an A to C substitution 5 nucleotides after coding exon 8 in the ATM gene. This nucleotide position is well conserved in available vertebrate species. In silico splice site analysis for this alteration is inconclusive. Based on the available evidence, the clinical significance of this variant remains unclear.

Labcorp Genetics (formerly Invitae), Labcorp
Classification: Uncertain significance for Ataxia-telangiectasia syndrome. Last evaluated: 2024-11-06. Review status: criteria provided, single submitter. Criteria: Invitae Variant Classification Sherloc (09022015). Collection method: clinical testing. Allele origin: germline.
Comment: This sequence change falls in intron 9 of the ATM gene. It does not directly change the encoded amino acid sequence of the ATM protein. It affects a nucleotide within the consensus splice site. This variant is not present in population databases (gnomAD no frequency). This variant has not been reported in the literature in individuals affected with ATM-related conditions. ClinVar contains an entry for this variant (Variation ID: 524396). Variants that disrupt the consensus splice site are a relatively common cause of aberrant splicing (PMID: 17576681, 9536098). Algorithms developed to predict the effect of sequence changes on RNA splicing suggest that this variant is not likely to affect RNA splicing. In summary, the available evidence is currently insufficient to determine the role of this variant in disease. Therefore, it has been classified as a Variant of Uncertain Significance.

Literature cited by the submitters: PubMed 17576681 (cited by Labcorp Genetics (formerly Invitae), Labcorp); PubMed 9536098 (cited by Labcorp Genetics (formerly Invitae), Labcorp).

NM_000051.4(ATM):c.1235+5A>C

Gene: ATM (ATM serine/threonine kinase; plus strand). Cytogenetic location: 11q22.3.
Variant type: single nucleotide variant.
Coding change: c.1235+5A>C on transcript NM_000051.4 (MANE Select); 5 bases into the intron after coding-DNA position 1235, A replaced by C.
Molecular consequence: intron variant.
Genome position (GRCh38, 1-based): chr11:108,249,107, A>C. VCF-style: chr11-108249107-A-C. GRCh37 (hg19) VCF-style: chr11-108119834-A-C.
Other names: c.1235+5A>C (NM_001351834.2).
Identifiers: ClinVar variation 524396 (VCV000524396.8), dbSNP rs1064793679, ClinGen allele CA658797785.